The following is an entry in ClinVar:

NM_000219.6(KCNE1):c.29C>G (p.Thr10Arg)

Gene: KCNE1 (potassium voltage-gated channel subfamily E regulatory subunit 1; minus strand). Cytogenetic location: 21q22.12.
Variant type: single nucleotide variant.
Coding change: c.29C>G on transcript NM_000219.6 (MANE Select); coding-DNA position 29, C replaced by G.
Protein change: p.Thr10Arg; replaces threonine 10 with arginine.
Molecular consequence: missense variant.
Genome position (GRCh38, 1-based): chr21:34,449,606, G>C on the plus strand (C>G on the coding strand, the complement: KCNE1 is on the minus strand). VCF-style: chr21-34449606-G-C. GRCh37 (hg19) VCF-style: chr21-35821904-G-C.
Other names: c.29C>G, p.Thr10Arg (NM_001127668.4, NM_001127669.4, NM_001127670.4 and 4 more transcripts); short protein forms T10R.
Identifiers: ClinVar variation 3374557 (VCV003374557.2).
Genomic context (GRCh38, chr21:34,449,606, plus strand): 5'-AGGCCCGACATGTTGCCACCCTGCTGAACTGTCTCCTGCCACAGCTTGGTCAGAAAGGGC[G>C]TCACCGCTGTGGTGTTAGACAGGATCATCCTGGGCATTAAGGTTCCACTGCTGCAGCTCA-3'
Protein context (NP_000210.2, residues 1-20): MILSNTTAV[Thr10Arg]PFLTKLWQET

Conditions:
Long QT syndrome 5 (LQT5). Identifiers: Orphanet 101016, Orphanet 768, MedGen C1867904, MONDO:0013372, OMIM 613695.

Submission:

Roden Lab, Vanderbilt University Medical Center
No classification provided (evidence only). Condition: Long QT syndrome 5. Review status: no classification provided. Collection method: in vitro. Allele origin: not applicable. Functional consequence: Effect on ion channel function.
ClinVar note: "not provided" was previously submitted as the classification for the variant. However, the classification appeared to be based only on an observation of functional data so it was converted to no classification on 2025-07-30.